The following is an entry in ClinVar:

ClinVar aggregate classification (germline): Uncertain significance (1 of 4 stars; one submission).

Conditions:
Neuropathy, hereditary sensory and autonomic, type 1C. Also called: HSAN IC; HSN IC. Identifiers: Orphanet 36386, MedGen C3150896, MONDO:0013337, OMIM 613640.

Allele frequency attached by ClinVar (database versions not stated): gnomAD exomes below 0.00001 and 0.00001.
gnomAD v4.1: 4 of 1,484,958 alleles (0.00027%); highest among the groups gnomAD compares: South Asian, 0.0038%; no homozygotes.

Submission:

Labcorp Genetics (formerly Invitae), Labcorp
Classification: Uncertain significance for Neuropathy, hereditary sensory and autonomic, type 1C. Last evaluated: 2023-11-15. Review status: criteria provided, single submitter. Criteria: Invitae Variant Classification Sherloc (09022015). Collection method: clinical testing. Allele origin: germline.
Comment: This sequence change replaces alanine, which is neutral and non-polar, with valine, which is neutral and non-polar, at codon 41 of the SPTLC2 protein (p.Ala41Val). This variant is present in population databases (no rsID available, gnomAD 0.006%). This variant has not been reported in the literature in individuals affected with SPTLC2-related conditions. ClinVar contains an entry for this variant (Variation ID: 471489). An algorithm developed to predict the effect of missense changes on protein structure and function (PolyPhen-2) suggests that this variant is likely to be tolerated. In summary, the available evidence is currently insufficient to determine the role of this variant in disease. Therefore, it has been classified as a Variant of Uncertain Significance.

NM_004863.4(SPTLC2):c.122C>T (p.Ala41Val)

Gene: SPTLC2 (serine palmitoyltransferase long chain base subunit 2; minus strand). Cytogenetic location: 14q24.3.
Variant type: single nucleotide variant.
Coding change: c.122C>T on transcript NM_004863.4 (MANE Select); coding-DNA position 122, C replaced by T.
Protein change: p.Ala41Val; replaces alanine 41 with valine.
Molecular consequence: missense variant.
Genome position (GRCh38, 1-based): chr14:77,616,458, G>A on the plus strand (C>T on the coding strand, the complement: SPTLC2 is on the minus strand). VCF-style: chr14-77616458-G-A. GRCh37 (hg19) VCF-style: chr14-78082801-G-A.
Other names: short protein forms A41V.
Identifiers: ClinVar variation 471489 (VCV000471489.8), dbSNP rs1397356644, ClinGen allele CA390712045.